The following is an entry in ClinVar:

ClinVar aggregate classification (germline): Uncertain significance (1 of 4 stars; one submission).

Conditions:
Anemia, congenital dyserythropoietic, type 1a (CDAN1A). Also called: DYSERYTHROPOIETIC ANEMIA, CONGENITAL, TYPE Ia; CDAN1-Related Congenital Dyserythropoietic Anemia. Identifiers: MedGen C5574667, MONDO:0009135, OMIM 224120.

gnomAD v4.1: 1 of 1,506,946 alleles (0.000066%); highest among the groups gnomAD compares: African/African-American, 0.0015%; no homozygotes.

Submission:

St. Jude Molecular Pathology, St. Jude Children's Research Hospital
Classification: Uncertain significance for Anemia, congenital dyserythropoietic, type 1a. Last evaluated: 2025-06-17. Review status: criteria provided, single submitter. Criteria: St. Jude Assertion Criteria 2020. Collection method: clinical testing. Allele origin: germline.
Comment: The CDAN1 c.259G>A (p.Gly87Arg) missense change is absent in gnomAD v2.1.1. The in silico tool REVEL predicts a benign effect on protein function, but to our knowledge this prediction has not been confirmed by functional studies. To our knowledge, this variant had not been reported in individuals with CDAN1-associated conditions. In summary, the evidence currently available is insufficient to determine the clinical significance of this variant. It has therefore been classified as of uncertain significance.

NM_138477.4(CDAN1):c.259G>A (p.Gly87Arg)

Genes: CDAN1 (codanin 1; minus strand), LOC130056931 (ATAC-STARR-seq lymphoblastoid silent region 6376; plus strand). Cytogenetic location: 15q15.2.
Variant type: single nucleotide variant.
Coding change: c.259G>A on transcript NM_138477.4 (MANE Select); coding-DNA position 259, G replaced by A.
Protein change: p.Gly87Arg; replaces glycine 87 with arginine.
Molecular consequence: missense variant.
Genome position (GRCh38, 1-based): chr15:42,736,612, C>T on the plus strand (G>A on the coding strand, the complement: CDAN1 is on the minus strand). VCF-style: chr15-42736612-C-T. GRCh37 (hg19) VCF-style: chr15-43028810-C-T.
Other names: short protein forms G87R.
Identifiers: ClinVar variation 4056122 (VCV004056122.2).